The following is an entry in ClinVar:

NM_001013672.5(LIAT1):c.993C>T (p.Ala331=)

Genes: LIAT1 (ligand of ATE1; plus strand), LOC105371430 (uncharacterized LOC105371430; minus strand). Cytogenetic location: 17p13.3.
Variant type: single nucleotide variant.
Coding change: c.993C>T on transcript NM_001013672.5 (MANE Select); coding-DNA position 993, C replaced by T.
Protein change: p.Ala331=; no amino-acid change (alanine 331 retained).
Molecular consequence: synonymous variant.
Genome position (GRCh38, 1-based): chr17:413,836, C>T. VCF-style: chr17-413836-C-T. GRCh37 (hg19) VCF-style: chr17-263627-C-T.
Identifiers: ClinVar variation 3905249 (VCV003905249.10).

ClinVar aggregate classification (germline): Likely benign (1 of 4 stars; one submission).

Submission:

CeGaT Center for Human Genetics Tuebingen
Classification: Likely benign. Last evaluated: 2025-05-01. Review status: criteria provided, single submitter. Criteria: CeGaT Center For Human Genetics Tuebingen Variant Classification Criteria Version 2. Collection method: clinical testing. Allele origin: germline. Affected: yes. Observed: 1 variant allele.
Comment: LIAT1: BP4, BP7